The following is an entry in ClinVar:

NM_022168.4(IFIH1):c.1627G>C (p.Asp543His)

Gene: IFIH1 (interferon induced with helicase C domain 1; minus strand). Cytogenetic location: 2q24.2.
Variant type: single nucleotide variant.
Coding change: c.1627G>C on transcript NM_022168.4 (MANE Select); coding-DNA position 1627, G replaced by C.
Protein change: p.Asp543His; replaces aspartic acid 543 with histidine.
Molecular consequence: missense variant.
Genome position (GRCh38, 1-based): chr2:162,280,010, C>G on the plus strand (G>C on the coding strand, the complement: IFIH1 is on the minus strand). VCF-style: chr2-162280010-C-G. GRCh37 (hg19) VCF-style: chr2-163136520-C-G.
Other names: short protein forms D543H.
Identifiers: ClinVar variation 3372850 (VCV003372850.2).

ClinVar aggregate classification (germline): Uncertain significance (1 of 4 stars; one submission).

Submission:

GeneDx
Classification: Uncertain significance. Last evaluated: 2025-10-23. Review status: criteria provided, single submitter. Criteria: GeneDx Variant Classification Process June 2021. Collection method: clinical testing. Allele origin: germline. Affected: yes.
Comment: Not observed at significant frequency in large population cohorts (gnomAD); In silico analysis suggests that this missense variant does not alter protein structure/function; Has not been previously published as pathogenic or benign to our knowledge